The following is an entry in ClinVar:

NM_001252102.2(KIF21B):c.273C>T (p.Ala91=)

Gene: KIF21B (kinesin family member 21B; minus strand). Cytogenetic location: 1q32.1.
Variant type: single nucleotide variant.
Coding change: c.273C>T on transcript NM_001252102.2 (MANE Select); coding-DNA position 273, C replaced by T.
Protein change: p.Ala91=; no amino-acid change (alanine 91 retained).
Molecular consequence: synonymous variant.
Genome position (GRCh38, 1-based): chr1:201,008,943, G>A on the plus strand (C>T on the coding strand, the complement: KIF21B is on the minus strand). VCF-style: chr1-201008943-G-A. GRCh37 (hg19) VCF-style: chr1-200978071-G-A.
Other names: c.273C>T, p.Ala91= (NM_001252100.2, NM_001252103.2, NM_017596.4).
Identifiers: ClinVar variation 2639740 (VCV002639740.24), dbSNP rs199591058, ClinGen allele CA1321695.
Genomic context (GRCh38, chr1:201,008,943, plus strand): 5'-GCCCTGCTCCTCCTCCGACGTTGCCATGTCAAAGCCAGTGCCCATGGTGTACGTCTTCCC[G>A]GCCCCCGTCTGCATTGGCAAAGATAGGAGGGTGTAACCCTGCACCCTTTGGGGGCACCAG-3'
Protein context (NP_001239031.1, residues 81-101): ATVLAYGQTG[Ala91=]GKTYTMGTGF

ClinVar aggregate classification (germline): Likely benign (1 of 4 stars; one submission).

Allele frequency attached by ClinVar (database versions not stated): ESP Exome Variant Server 0.00008; TOPMed 0.00017; gnomAD 0.00019; gnomAD exomes 0.00020; ExAC 0.00028.
gnomAD v4.1: 324 of 1,608,916 alleles (0.02%); highest among the groups gnomAD compares: Middle Eastern, 0.13%; 1 homozygote.

Submission:

CeGaT Center for Human Genetics Tuebingen
Classification: Likely benign. Last evaluated: 2022-05-01. Review status: criteria provided, single submitter. Criteria: CeGaT Center For Human Genetics Tuebingen Variant Classification Criteria Version 2. Collection method: clinical testing. Allele origin: germline. Affected: yes. Observed: 1 variant allele.
Comment: KIF21B: BP4, BP7